The following is an entry in ClinVar:

ClinVar aggregate classification (germline): Uncertain significance (1 of 4 stars; one submission).

Submission:

Labcorp Genetics (formerly Invitae), Labcorp
Classification: Uncertain significance. Last evaluated: 2023-07-16. Review status: criteria provided, single submitter. Criteria: Invitae Variant Classification Sherloc (09022015). Collection method: clinical testing. Allele origin: germline.
Comment: In summary, the available evidence is currently insufficient to determine the role of this variant in disease. Therefore, it has been classified as a Variant of Uncertain Significance. Advanced modeling of protein sequence and biophysical properties (such as structural, functional, and spatial information, amino acid conservation, physicochemical variation, residue mobility, and thermodynamic stability) has been performed at Invitae for this missense variant, however the output from this modeling did not meet the statistical confidence thresholds required to predict the impact of this variant on CACNA1F protein function. This variant has not been reported in the literature in individuals affected with CACNA1F-related conditions. This variant is not present in population databases (gnomAD no frequency). This sequence change replaces leucine, which is neutral and non-polar, with proline, which is neutral and non-polar, at codon 135 of the CACNA1F protein (p.Leu135Pro).

NM_001256789.3(CACNA1F):c.404T>C (p.Leu135Pro)

Gene: CACNA1F (calcium voltage-gated channel subunit alpha1 F; minus strand). Cytogenetic location: Xp11.23.
Variant type: single nucleotide variant.
Coding change: c.404T>C on transcript NM_001256789.3 (MANE Select); coding-DNA position 404, T replaced by C.
Protein change: p.Leu135Pro; replaces leucine 135 with proline.
Molecular consequence: missense variant.
Genome position (GRCh38, 1-based): chrX:49,230,967, A>G on the plus strand (T>C on the coding strand, the complement: CACNA1F is on the minus strand). VCF-style: chrX-49230967-A-G. GRCh37 (hg19) VCF-style: chrX-49087429-A-G.
Other names: c.209T>C, p.Leu70Pro (NM_001256790.3); c.404T>C, p.Leu135Pro (NM_005183.4); short protein forms L70P, L135P.
Identifiers: ClinVar variation 2743554 (VCV002743554.3), dbSNP rs2519139808, ClinGen allele CA412926269.